The following is an entry in ClinVar:

ClinVar aggregate classification (germline): Conflicting classifications of pathogenicity. Review status: criteria provided, conflicting classifications (1 of 4 stars). 2 submissions from 2 submitters: Uncertain significance (1); Likely benign (1). Last evaluated 2026-01-21.

Allele frequency attached by ClinVar (database versions not stated): ESP Exome Variant Server 0.00023; ExAC 0.00027; gnomAD exomes 0.00033 and 0.00037; gnomAD 0.00062; TOPMed 0.00067.
gnomAD v4.1: 629 of 1,613,866 alleles (0.039%); highest among the groups gnomAD compares: Admixed American, 0.16%; no homozygotes.

Submissions (2):

Labcorp Genetics (formerly Invitae), Labcorp
Classification: Uncertain significance. Last evaluated: 2026-01-21. Review status: criteria provided, single submitter. Criteria: Invitae Variant Classification Sherloc (09022015). Collection method: clinical testing. Allele origin: germline.
Comment: This sequence change replaces threonine, which is neutral and polar, with methionine, which is neutral and non-polar, at codon 707 of the CEP250 protein (p.Thr707Met). This variant is present in population databases (rs139645049, gnomAD 0.1%). This variant has not been reported in the literature in individuals affected with CEP250-related conditions. ClinVar contains an entry for this variant (Variation ID: 843733). An algorithm developed to predict the effect of missense changes on protein structure and function outputs the following: PolyPhen-2: "Benign". The methionine amino acid residue is found in multiple mammalian species, which suggests that this missense change does not adversely affect protein function. In summary, the available evidence is currently insufficient to determine the role of this variant in disease. Therefore, it has been classified as a Variant of Uncertain Significance.

Blueprint Genetics
Classification: Likely benign. Last evaluated: 2024-06-07. Review status: criteria provided, single submitter. Criteria: ACMG Guidelines, 2015. Collection method: clinical testing. Allele origin: germline.

NM_007186.6(CEP250):c.2120C>T (p.Thr707Met)

Genes: CEP250 (centrosomal protein 250; plus strand), CEP250-AS1 (CEP250 antisense RNA 1; minus strand). Cytogenetic location: 20q11.22.
Variant type: single nucleotide variant.
Coding change: c.2120C>T on transcript NM_007186.6 (MANE Select); coding-DNA position 2120, C replaced by T.
Protein change: p.Thr707Met; replaces threonine 707 with methionine.
Molecular consequence: missense variant.
Genome position (GRCh38, 1-based): chr20:35,479,256, C>T. VCF-style: chr20-35479256-C-T. GRCh37 (hg19) VCF-style: chr20-34067081-C-T.
Other names: c.224C>T, p.Thr75Met (NM_001318219.1); short protein forms T707M, T75M.
Identifiers: ClinVar variation 843733 (VCV000843733.9), dbSNP rs139645049, ClinGen allele CA9833106.